The following is an entry in ClinVar:

ClinVar aggregate classification (germline): Conflicting classifications of pathogenicity. Review status: criteria provided, conflicting classifications (1 of 4 stars). 4 submissions from 4 submitters: Uncertain significance (2); Likely benign (2). Last evaluated 2025-04-17.

Conditions:
Inborn genetic diseases. Identifiers: MedGen C0950123, MeSH D030342.
RYR1-related disorder. Also called: RYR1-related condition; RYR1-related disorders. Identifiers: MedGen CN239331.
Malignant hyperthermia, susceptibility to, 1 (MHS1). Also called: RYR1-Related Malignant Hyperthermia Susceptibility; Malignant hyperthermia suceptibility 1; Anesthesia related hyperthermia; Malignant hyperpyrexia; Fulminating hyperpyrexia; Pharmacogenic myopathy. Identifiers: Orphanet 423, MedGen C2930980, MONDO:0007783, OMIM 145600.

Allele frequency attached by ClinVar (database versions not stated): gnomAD exomes 0.00001 and 0.00006; gnomAD 0.00002 and 0.00004; ExAC 0.00004; TOPMed 0.00005; 1000 Genomes Project 0.00040; 1000 Genomes Project 30x 0.00062.
gnomAD v4.1: 25 of 1,614,192 alleles (0.0015%); highest among the groups gnomAD compares: East Asian, 0.056%; no homozygotes.

Submissions (4):

Labcorp Genetics (formerly Invitae), Labcorp
Classification: Likely benign for RYR1-related disorder. Last evaluated: 2025-04-17. Review status: criteria provided, single submitter. Criteria: Invitae Variant Classification Sherloc (09022015). Collection method: clinical testing. Allele origin: germline.

Ambry Genetics
Classification: Uncertain significance for Inborn genetic diseases. Last evaluated: 2024-03-30. Review status: criteria provided, single submitter. Criteria: Ambry Variant Classification Scheme 2023. Collection method: clinical testing. Allele origin: germline.

Color Diagnostics, LLC DBA Color Health
Classification: Likely benign for Malignant hyperthermia, susceptibility to, 1. Last evaluated: 2022-08-26. Review status: criteria provided, single submitter. Criteria: ACMG Guidelines, 2015. Collection method: clinical testing. Allele origin: germline.

GeneDx
Classification: Uncertain significance. Last evaluated: 2017-11-03. Review status: criteria provided, single submitter. Criteria: GeneDx Variant Classification (06012015). Collection method: clinical testing. Allele origin: germline. Affected: yes.
Comment: A variant of uncertain significance has been identified in the RYR1 gene. The M2698T variant has not been published as a pathogenic variant, nor has it been reported as a benign variant to our knowledge. The M2698T variant is observed in 15/17248 (0.09%) alleles from individuals of East Asian background (Lek et al., 2016). The M2698T variant is a non-conservative amino acid substitution, which is likely to impact secondary protein structure as these residues differ in polarity, charge, size and/or other properties. However, this substitution occurs at a position where amino acids with similar properties to Methionine are tolerated across species. In silico analysis is inconsistent in its predictions as to whether or not the variant is damaging to the protein structure/function. Therefore, based on the currently available information, it is unclear whether this variant is a pathogenic variant or a rare benign variant.

NM_000540.3(RYR1):c.8093T>C (p.Met2698Thr)

Gene: RYR1 (ryanodine receptor 1; plus strand). Cytogenetic location: 19q13.2.
Variant type: single nucleotide variant.
Coding change: c.8093T>C on transcript NM_000540.3 (MANE Select); coding-DNA position 8093, T replaced by C.
Protein change: p.Met2698Thr; replaces methionine 2698 with threonine.
Molecular consequence: missense variant.
Genome position (GRCh38, 1-based): chr19:38,504,773, T>C. VCF-style: chr19-38504773-T-C. GRCh37 (hg19) VCF-style: chr19-38995413-T-C.
Other names: c.8093T>C, p.Met2698Thr (NM_001042723.2); short protein forms M2698T.
Identifiers: ClinVar variation 453093 (VCV000453093.25), dbSNP rs185021599, ClinGen allele CA071484.